The following is an entry in ClinVar:

ClinVar aggregate classification (germline): Uncertain significance. Review status: criteria provided, multiple submitters, no conflicts (2 of 4 stars). 3 submissions from 3 submitters: Uncertain significance (3). Last evaluated 2025-03-26.

Conditions:
Walker-Warburg congenital muscular dystrophy. Also called: Muscular dystrophy-dystroglycanopathy, type A; Walker-Warburg syndrome. Identifiers: Orphanet 899, MedGen C0265221, MONDO:0000171.
Autosomal recessive limb-girdle muscular dystrophy type 2K. Also called: MUSCULAR DYSTROPHY, LIMB-GIRDLE, TYPE 2K; MUSCULAR DYSTROPHY-DYSTROGLYCANOPATHY (LIMB-GIRDLE), TYPE C, 1. Identifiers: Orphanet 86812, MedGen C1836373, MONDO:0012248, OMIM 609308.
Muscular dystrophy-dystroglycanopathy (congenital with impaired intellectual development), type B, 1. Also called: MUSCULAR DYSTROPHY, CONGENITAL, POMT1-RELATED; Muscular dystrophy-dystroglycanopathy (congenital with intellectual disability), type B1. Identifiers: MedGen C5436962, MONDO:0013159, OMIM 613155.

Allele frequency attached by ClinVar (database versions not stated): gnomAD exomes 0.00018; gnomAD 0.00005 and 0.00008; TOPMed 0.00006; 1000 Genomes Project 30x 0.00016; ESP Exome Variant Server 0.00008; 1000 Genomes Project 0.00020; ExAC 0.00059.
gnomAD v4.1: 144 of 1,550,654 alleles (0.0093%); highest among the groups gnomAD compares: South Asian, 0.094%; no homozygotes.

Submissions (3):

Revvity Omics, Revvity
Classification: Uncertain significance. Last evaluated: 2025-03-26. Review status: criteria provided, single submitter. Criteria: ACMG Guidelines, 2015. Collection method: clinical testing. Allele origin: germline.

GeneDx
Classification: Uncertain significance. Last evaluated: 2022-10-06. Review status: criteria provided, single submitter. Criteria: GeneDx Variant Classification Process June 2021. Collection method: clinical testing. Allele origin: germline. Affected: yes.
Comment: In silico analysis supports a deleterious effect on splicing; In silico analysis supports that this missense variant does not alter protein structure/function; Has not been previously published as pathogenic or benign to our knowledge

Labcorp Genetics (formerly Invitae), Labcorp
Classification: Uncertain significance for Muscular dystrophy-dystroglycanopathy (congenital with impaired intellectual development), type B, 1; Walker-Warburg congenital muscular dystrophy; Autosomal recessive limb-girdle muscular dystrophy type 2K. Last evaluated: 2021-08-31. Review status: criteria provided, single submitter. Criteria: Invitae Variant Classification Sherloc (09022015). Collection method: clinical testing. Allele origin: germline.
Comment: This sequence change replaces alanine with valine at codon 544 of the POMT1 protein (p.Ala544Val). The alanine residue is moderately conserved and there is a small physicochemical difference between alanine and valine. This variant is present in population databases (rs374402055, ExAC 0.2%). This variant has not been reported in the literature in individuals affected with POMT1-related conditions. Algorithms developed to predict the effect of missense changes on protein structure and function are either unavailable or do not agree on the potential impact of this missense change (SIFT: "Deleterious"; PolyPhen-2: "Possibly Damaging"; Align-GVGD: "Class C0"). Algorithms developed to predict the effect of sequence changes on RNA splicing suggest that this variant may create or strengthen a splice site. In summary, the available evidence is currently insufficient to determine the role of this variant in disease. Therefore, it has been classified as a Variant of Uncertain Significance.

NM_001077365.2(POMT1):c.1565C>T (p.Ala522Val)

Gene: POMT1 (protein O-mannosyltransferase 1; plus strand). Cytogenetic location: 9q34.13.
Variant type: single nucleotide variant.
Coding change: c.1565C>T on transcript NM_001077365.2 (MANE Select); coding-DNA position 1565, C replaced by T.
Protein change: p.Ala522Val; replaces alanine 522 with valine.
Molecular consequence: missense variant. On other transcripts: non-coding transcript variant (10), intron variant (1).
Genome position (GRCh38, 1-based): chr9:131,519,467, C>T. VCF-style: chr9-131519467-C-T. GRCh37 (hg19) VCF-style: chr9-134394854-C-T.
Other names: c.1403C>T, p.Ala468Val (NM_001077366.2, NM_001353194.2); c.1565C>T, p.Ala522Val (NM_001136113.2); c.1214C>T, p.Ala405Val (NM_001136114.2, NM_001353195.2, NM_001374691.1 and 2 more transcripts); c.1631C>T, p.Ala544Val (NM_001353193.2, NM_007171.4); c.1475C>T, p.Ala492Val (NM_001353196.2); c.1469C>T, p.Ala490Val (NM_001353197.2, NM_001353198.2); c.1280C>T, p.Ala427Val (NM_001353199.2); c.1109C>T, p.Ala370Val (NM_001353200.2); and 3 more; short protein forms A427V, A468V, A370V, A405V, A522V, A392V, A490V, A492V.
Identifiers: ClinVar variation 835097 (VCV000835097.10), dbSNP rs374402055, ClinGen allele CA5293744.